The following is an entry in ClinVar:

NM_152564.5(VPS13B):c.2889G>A (p.Trp963Ter)

Gene: VPS13B (vacuolar protein sorting 13 homolog B; plus strand). Cytogenetic location: 8q22.2.
Variant type: single nucleotide variant.
Coding change: c.2889G>A on transcript NM_152564.5 (MANE Select); coding-DNA position 2889, G replaced by A.
Protein change: p.Trp963Ter; replaces tryptophan 963 with a stop codon.
Molecular consequence: nonsense.
Genome position (GRCh38, 1-based): chr8:99,384,272, G>A. VCF-style: chr8-99384272-G-A. GRCh37 (hg19) VCF-style: chr8-100396500-G-A.
Other names: c.2889G>A, p.Trp963Ter (NM_017890.5); short protein forms W963*.
Identifiers: ClinVar variation 56655 (VCV000056655.20), dbSNP rs386834078, ClinGen allele CA264053.

ClinVar aggregate classification (germline): Pathogenic. Review status: criteria provided, multiple submitters, no conflicts (2 of 4 stars). 7 submissions from 7 submitters: Pathogenic (5). 2 of the submissions do not count toward it. Last evaluated 2025-12-15.

Conditions:
VPS13B-related disorder. Also called: VPS13B-related condition.
Cohen syndrome (COH1). Also called: PEPPER SYNDROME; Cutis verticis gyrata, retinitis pigmentosa, and sensorineural deafness. Identifiers: Orphanet 193, MedGen C0265223, MONDO:0008999, OMIM 216550.

Allele frequency attached by ClinVar (database versions not stated): gnomAD 0.00001 and 0.00002; gnomAD exomes 0.00002; TOPMed 0.00003.
gnomAD v4.1: 15 of 1,613,792 alleles (0.00093%); highest among the groups gnomAD compares: Admixed American, 0.0017%; no homozygotes.

Submissions (7):

Natera, Inc.
Classification: Pathogenic for Cohen syndrome. Last evaluated: 2025-12-15. Review status: criteria provided, single submitter. Criteria: Natera Variant Classification Schema (03/2026). Collection method: clinical testing. Allele origin: germline.
Comment: The c.2889G>A variant in VPS13B is a nonsense variant predicted to introduce a stop codon at amino acid 963. This variant is expected to result in nonsense mediated decay, truncation, or a dysfunctional protein product. This variant is rare in the general population with a frequency below the threshold expected for the associated phenotype(s). This variant has been observed in one or more individuals affected with the associated recessive disease, as either homozygous or compound heterozygous with a second variant (PMID: 26938784). Given the available evidence, this variant is classified as Pathogenic.

Labcorp Genetics (formerly Invitae), Labcorp
Classification: Pathogenic for Cohen syndrome. Last evaluated: 2025-10-24. Review status: criteria provided, single submitter. Criteria: Invitae Variant Classification Sherloc (09022015). Collection method: clinical testing. Allele origin: germline.
Comment: This sequence change creates a premature translational stop signal (p.Trp963*) in the VPS13B gene. It is expected to result in an absent or disrupted protein product. Loss-of-function variants in VPS13B are known to be pathogenic (PMID: 15141358, 16648375, 20461111). This variant is not present in population databases (gnomAD no frequency). This premature translational stop signal has been observed in individual(s) with Cohen syndrome (PMID: 15141358, 28832562, 29453417). In at least one individual the data is consistent with being in trans (on the opposite chromosome) from a pathogenic variant. ClinVar contains an entry for this variant (Variation ID: 56655). For these reasons, this variant has been classified as Pathogenic.

Blueprint Genetics
Classification: Pathogenic for VPS13B-related disorders. Last evaluated: 2024-09-19. Review status: criteria provided, single submitter. Criteria: ACMG Guidelines, 2015. Collection method: clinical testing. Allele origin: germline. Affected: yes. Observed: 3 variant alleles.

GeneDx
Classification: Pathogenic. Last evaluated: 2024-04-03. Review status: criteria provided, single submitter. Criteria: GeneDx Variant Classification Process June 2021. Collection method: clinical testing. Allele origin: germline. Affected: yes.
Comment: Reported previously in patients with Cohen syndrome in published literature (PMID: 23352163, 15141358, 33023636); Nonsense variant predicted to result in protein truncation or nonsense mediated decay in a gene for which loss-of-function is a known mechanism of disease; Not observed at significant frequency in large population cohorts (gnomAD); This variant is associated with the following publications: (PMID: 19006247, 29453417, 28832562, 15141358, 33023636, 23352163)

Women's Health and Genetics/Laboratory Corporation of America, LabCorp
Classification: Pathogenic for Cohen syndrome. Last evaluated: 2021-05-22. Review status: criteria provided, single submitter. Criteria: LabCorp Variant Classification Summary - May 2015. Collection method: clinical testing. Allele origin: germline.
Comment: Variant summary: VPS13B c.2889G>A (p.Trp963X) results in a premature termination codon, predicted to cause a truncation of the encoded protein or absence of the protein due to nonsense mediated decay, which are commonly known mechanisms for disease. Truncations downstream of this position have been classified as pathogenic by our laboratory. The variant was absent in 251190 control chromosomes. c.2889G>A has been reported in the literature in individuals affected with Cohen Syndrome and subsequently cited by others (example, Kolehmainen_2004, Yu_2013, Stark_2016, Rafiq_2015, Wang_2020, Dillon_2018). These data indicate that the variant is very likely to be associated with disease. To our knowledge, no experimental evidence demonstrating an impact on protein function has been reported. Three clinical diagnostic laboratories have submitted clinical-significance assessments for this variant to ClinVar after 2014 without evidence for independent evaluation. All laboratories classified the variant as pathogenic, some citing overlapping evidence utilized in the context of this evaluation. Based on the evidence outlined above, the variant was classified as pathogenic.

Counsyl
Classification: Likely pathogenic for Cohen syndrome. Last evaluated: 2014-03-14. Review status: no assertion criteria provided. Collection method: literature only. Allele origin: unknown. Inheritance: Autosomal recessive inheritance. Not counted in ClinVar's aggregate classification.

Juha Muilu Group; Institute for Molecular Medicine Finland (FIMM)
Classification: Likely pathogenic for Cohen syndrome. Review status: no assertion criteria provided. Collection method: not provided. Allele origin: unknown. Not counted in ClinVar's aggregate classification.
Comment: FinDis database variant: This variant was not found or characterized by our laboratory, data were collected from public sources: see reference
ClinVar note: Converted during submission from probable-pathogenic to Likely pathogenic.

Literature cited by the submitters: PubMed 26938784 (cited by Natera, Inc. and Women's Health and Genetics/Laboratory Corporation of America, LabCorp); PubMed 15141358 (cited by 3 submitters); PubMed 16648375 (cited by Labcorp Genetics (formerly Invitae), Labcorp); PubMed 20461111 (cited by Labcorp Genetics (formerly Invitae), Labcorp); PubMed 28832562 (cited by Labcorp Genetics (formerly Invitae), Labcorp); PubMed 29453417 (cited by Labcorp Genetics (formerly Invitae), Labcorp and Women's Health and Genetics/Laboratory Corporation of America, LabCorp); PubMed 23352163 (cited by Women's Health and Genetics/Laboratory Corporation of America, LabCorp and Counsyl); PubMed 26104215 (cited by Women's Health and Genetics/Laboratory Corporation of America, LabCorp); PubMed 33023636 (cited by Women's Health and Genetics/Laboratory Corporation of America, LabCorp).